The following is an entry in ClinVar:

NM_020975.6(RET):c.2779A>C (p.Ile927Leu)

Gene: RET (ret proto-oncogene; plus strand). Cytogenetic location: 10q11.21.
Variant type: single nucleotide variant.
Coding change: c.2779A>C on transcript NM_020975.6 (MANE Select); coding-DNA position 2779, A replaced by C.
Protein change: p.Ile927Leu; replaces isoleucine 927 with leucine.
Molecular consequence: missense variant.
Genome position (GRCh38, 1-based): chr10:43,121,994, A>C. VCF-style: chr10-43121994-A-C. GRCh37 (hg19) VCF-style: chr10-43617442-A-C.
Other names: c.2779A>C, p.Ile927Leu (NM_000323.2, NM_001406743.1, NM_001406744.1 and 4 more transcripts); c.2017A>C, p.Ile673Leu (NM_001355216.2); c.2650A>C, p.Ile884Leu (NM_001406761.1, NM_001406762.1, NM_001406764.1); c.2644A>C, p.Ile882Leu (NM_001406763.1, NM_001406765.1); c.2491A>C, p.Ile831Leu (NM_001406766.1, NM_001406767.1, NM_001406770.1); c.2515A>C, p.Ile839Leu (NM_001406768.1); c.2383A>C, p.Ile795Leu (NM_001406769.1, NM_001406772.1); c.2341A>C, p.Ile781Leu (NM_001406771.1, NM_001406773.1); and 10 more; short protein forms I673L, I927L, I585L, I588L, I752L, I781L, I831L, I444L.
Identifiers: ClinVar variation 1021079 (VCV001021079.10), dbSNP rs893151989, ClinGen allele CA206267152.
Genomic context (GRCh38, chr10:43,121,994, plus strand): 5'-TCTTCTCTTTAGGGTCGGATTCCAGTTAAATGGATGGCAATTGAATCCCTTTTTGATCAT[A>C]TCTACACCACGCAAAGTGATGTGTAAGTGTGGGTGTTGCTCTCTTGGGGTGGAGGTTACA-3'
Protein context (NP_066124.1, residues 917-937): WMAIESLFDH[Ile927Leu]YTTQSDVWSF

ClinVar aggregate classification (germline): Uncertain significance. Review status: criteria provided, multiple submitters, no conflicts (2 of 4 stars). 2 submissions from 2 submitters: Uncertain significance (2). Last evaluated 2025-12-13.

Conditions:
Hereditary cancer-predisposing syndrome. Also called: Hereditary Cancer Syndrome; Neoplastic Syndromes, Hereditary; Tumor predisposition; Hereditary neoplastic syndrome. Identifiers: Orphanet 140162, MedGen C0027672, MeSH D009386, MONDO:0015356.
Multiple endocrine neoplasia, type 2 (MEN2). Identifiers: Orphanet 653, MedGen C4048306, MONDO:0019003. Disease mechanism: gain of function.

Submissions (2):

Ambry Genetics
Classification: Uncertain significance for Hereditary cancer-predisposing syndrome. Last evaluated: 2025-12-13. Review status: criteria provided, single submitter. Criteria: Ambry Variant Classification Scheme 2023. Collection method: clinical testing. Allele origin: germline.
Comment: The p.I927L variant (also known as c.2779A>C), located in coding exon 16 of the RET gene, results from an A to C substitution at nucleotide position 2779. The isoleucine at codon 927 is replaced by leucine, an amino acid with highly similar properties. This amino acid position is conserved. In addition, the in silico prediction for this alteration is inconclusive. Based on the available evidence, the clinical significance of this variant remains unclear.

Labcorp Genetics (formerly Invitae), Labcorp
Classification: Uncertain significance for Multiple endocrine neoplasia, type 2. Last evaluated: 2025-02-18. Review status: criteria provided, single submitter. Criteria: Invitae Variant Classification Sherloc (09022015). Collection method: clinical testing. Allele origin: germline.
Comment: This sequence change replaces isoleucine, which is neutral and non-polar, with leucine, which is neutral and non-polar, at codon 927 of the RET protein (p.Ile927Leu). This variant is not present in population databases (gnomAD no frequency). This variant has not been reported in the literature in individuals affected with RET-related conditions. ClinVar contains an entry for this variant (Variation ID: 1021079). An algorithm developed to predict the effect of missense changes on protein structure and function (PolyPhen-2) suggests that this variant is likely to be tolerated. In summary, the available evidence is currently insufficient to determine the role of this variant in disease. Therefore, it has been classified as a Variant of Uncertain Significance.